The following is an entry in ClinVar:

NM_000321.3(RB1):c.1030C>T (p.Gln344Ter)

Gene: RB1 (RB transcriptional corepressor 1; plus strand). Cytogenetic location: 13q14.2.
Variant type: single nucleotide variant.
Coding change: c.1030C>T on transcript NM_000321.3 (MANE Select); coding-DNA position 1030, C replaced by T.
Protein change: p.Gln344Ter; replaces glutamine 344 with a stop codon.
Molecular consequence: nonsense.
Genome position (GRCh38, 1-based): chr13:48,367,584, C>T. VCF-style: chr13-48367584-C-T. GRCh37 (hg19) VCF-style: chr13-48941720-C-T.
Other names: c.1030C>T, p.Gln344Ter (NM_001407165.1, NM_001407166.1); short protein forms Q344*.
Identifiers: ClinVar variation 1771021 (VCV001771021.3), dbSNP rs2138121441, ClinGen allele CA388160889.
Genomic context (GRCh38, chr13:48,367,584, plus strand): 5'-ATTTATCTTAAAAATAAAGATCTAGATGCAAGATTATTTTTGGATCATGATAAAACTCTT[C>T]AGACTGATTCTATAGACAGGTATTGCACATGGTATATTTGATTGATTTGCTTTAGATATA-3'

ClinVar aggregate classification (germline): Pathogenic. Review status: criteria provided, multiple submitters, no conflicts (2 of 4 stars). 2 submissions from 2 submitters: Pathogenic (2). Last evaluated 2024-05-20.

Conditions:
Hereditary cancer-predisposing syndrome. Also called: Hereditary Cancer Syndrome; Hereditary neoplastic syndrome; Neoplastic Syndromes, Hereditary; Tumor predisposition. Identifiers: Orphanet 140162, MedGen C0027672, MeSH D009386, MONDO:0015356.
Retinoblastoma (RB1). Also called: RETINOBLASTOMA, SOMATIC. Identifiers: Orphanet 790, MedGen C0035335, MeSH D012175, MONDO:0008380, OMIM 180200, HP:0009919. Disease mechanism: loss of function. Inheritance: Both sporadic and heritable forms are tested..

Submissions (2):

Genetic Diagnostic Laboratory, University of Pennsylvania School of Medicine
Classification: Pathogenic for Retinoblastoma. Last evaluated: 2024-05-20. Review status: criteria provided, single submitter. Criteria: ACMG Guidelines, 2015. Collection method: clinical testing. Allele origin: germline. Affected: yes. Observed: 4 variant alleles.
Comment: Case and Pedigree Information: BILATERAL CASES:3, UNILATERAL CASES:1, TOTAL CASES:4, PEDIGREES:3. ACMG Codes Applied:PVS1, PM2, PS4SUP

Ambry Genetics
Classification: Pathogenic for Hereditary cancer-predisposing syndrome. Last evaluated: 2020-09-21. Review status: criteria provided, single submitter. Criteria: Ambry Variant Classification Scheme 2023. Collection method: clinical testing. Allele origin: germline.
Comment: The p.Q344* pathogenic mutation (also known as c.1030C>T), located in coding exon 10 of the RB1 gene, results from a C to T substitution at nucleotide position 1030. This changes the amino acid from a glutamine to a stop codon within coding exon 10. This pathogenic mutation has been reported as a germline mutation in multiple individuals with retinoblastoma (Houdayer C et al. Hum. Mutat. 2004 Feb; 23(2):193-202, Nichols KE et al. Hum. Mutat. 2005 Jun; 25(6):566-74; Dhar SU et al. Arch. Ophthalmol., 2011 Nov;129:1428-34; Shahraki K et al. Eye (Lond), 2017 Apr;31:620-627). This alteration is expected to result in loss of function by premature protein truncation or nonsense-mediated mRNA decay. As such, this alteration is interpreted as a disease-causing mutation.

Literature cited by the submitters: PubMed 14722923 (cited by Ambry Genetics); PubMed 15884040 (cited by Ambry Genetics); PubMed 22084214 (cited by Ambry Genetics); PubMed 27983729 (cited by Ambry Genetics).